The following is an entry in ClinVar:

ClinVar aggregate classification (germline): conflicting data from submitters (0 of 4 stars; one submission).

Submission:

ISCA site 1
Classification: conflicting data from submitters. Last evaluated: 2013-02-04. Review status: no assertion criteria provided. Collection method: clinical testing. Allele origin: maternal, unknown. Affected: yes. Observed: 2 variant alleles.
Comment: Uncertain significance(1), Likely benign (1)

Copy number variation identified through the course of routine clinical cytogenomic testing in postnatal populations, with clinical assertions as classified by the original submitter. For data from the original published study, Kaminsky, et al. 2011 (PubMed 21844811), please see nstd101.

GRCh38/hg38 12p11.1(chr12:33392214-33943704)x1

Genes: SYT10 (synaptotagmin 10; minus strand), LOC116268437 (CRISPRi-validated cis-regulatory element chr12.1007; plus strand). Cytogenetic location: 12p11.1.
Variant type: copy number loss.
Change: copy number 1 (one copy instead of two) of chr12:33,392,214-33,943,704 (551.5 kb, GRCh38 coordinates, 1-based), cytogenetic band 12p11.1.
Identifiers: ClinVar variation 152276 (VCV000152276.2).